The following is an entry in ClinVar:

NM_015662.3(IFT172):c.5031G>A (p.Ala1677=)

Genes: IFT172 (intraflagellar transport 172; minus strand), KRTCAP3 (keratinocyte associated protein 3; plus strand). Cytogenetic location: 2p23.3.
Variant type: single nucleotide variant.
Coding change: c.5031G>A on transcript NM_015662.3 (MANE Select); coding-DNA position 5031, G replaced by A.
Protein change: p.Ala1677=; no amino-acid change (alanine 1677 retained).
Molecular consequence: synonymous variant. On other transcripts: intron variant (1).
Genome position (GRCh38, 1-based): chr2:27,445,333, C>T on the plus strand (G>A on the coding strand, the complement: IFT172 is on the minus strand). VCF-style: chr2-27445333-C-T. GRCh37 (hg19) VCF-style: chr2-27668200-C-T.
Other names: c.4965G>A, p.Ala1655= (NM_001410739.1); c.*6-968C>T (NM_001168364.2).
Identifiers: ClinVar variation 759961 (VCV000759961.6), dbSNP rs1435865869, ClinGen allele CA425412210.
Genomic context (GRCh38, chr2:27,445,333, plus strand): 5'-TGGGGTGCTGTAGGCTTCTATACCTGTAATAAGGCAGGGCAGGGCTCGAACACCAGTGCT[C>T]GCTGCCACTAGGGAGGCCTCGTAGGCGCCACGCTCATCCCGAGGCAGAACCTGCTCCAGC-3'
Protein context (NP_056477.1, residues 1667-1687): RGAYEASLVA[Ala1677=]STGVRALPCL

ClinVar aggregate classification (germline): Likely benign. Review status: criteria provided, multiple submitters, no conflicts (2 of 4 stars). 2 submissions from 2 submitters: Likely benign (2). Last evaluated 2026-04-20.

Conditions:
IFT172-related disorder. Also called: IFT172-related disorders; IFT172-related condition.

Allele frequency attached by ClinVar (database versions not stated): gnomAD 0.00001; gnomAD exomes 0.00001; TOPMed 0.00001.
gnomAD v4.1: 10 of 1,613,048 alleles (0.00062%); highest among the groups gnomAD compares: East Asian, 0.0022%; no homozygotes.

Submissions (2):

PreventionGenetics, part of Exact Sciences
Classification: Likely benign for IFT172-related condition. Last evaluated: 2026-04-20. Review status: criteria provided, single submitter. Criteria: ACMG Guidelines, 2015. Collection method: clinical testing. Allele origin: germline.
Comment: This variant is classified as likely benign based on ACMG/AMP sequence variant interpretation guidelines (Richards et al. 2015 PMID: 25741868, with internal and published modifications).

Labcorp Genetics (formerly Invitae), Labcorp
Classification: Likely benign. Last evaluated: 2018-07-19. Review status: criteria provided, single submitter. Criteria: Invitae Variant Classification Sherloc (09022015). Collection method: clinical testing. Allele origin: germline.